The following is an entry in ClinVar:

ClinVar aggregate classification (germline): Uncertain significance. Review status: criteria provided, multiple submitters, no conflicts (2 of 4 stars). 2 submissions from 2 submitters: Uncertain significance (2). Last evaluated 2025-12-15.

Conditions:
Inborn genetic diseases. Identifiers: MedGen C0950123, MeSH D030342.

Allele frequency attached by ClinVar (database versions not stated): gnomAD exomes below 0.00001.
gnomAD v4.1: 4 of 1,503,912 alleles (0.00027%); highest among the groups gnomAD compares: East Asian, 0.0027%; no homozygotes.

Submissions (2):

Labcorp Genetics (formerly Invitae), Labcorp
Classification: Uncertain significance. Last evaluated: 2025-12-15. Review status: criteria provided, single submitter. Criteria: Invitae Variant Classification Sherloc (09022015). Collection method: clinical testing. Allele origin: germline.
Comment: This sequence change replaces arginine, which is basic and polar, with cysteine, which is neutral and slightly polar, at codon 1491 of the RERE protein (p.Arg1491Cys). This variant is not present in population databases (gnomAD no frequency). This variant has not been reported in the literature in individuals affected with RERE-related conditions. ClinVar contains an entry for this variant (Variation ID: 2228158). Invitae Evidence Modeling of protein sequence and biophysical properties (such as structural, functional, and spatial information, amino acid conservation, physicochemical variation, residue mobility, and thermodynamic stability) has been performed for this missense variant. However, the output from this modeling did not meet the statistical confidence thresholds required to predict the impact of this variant on RERE protein function. In summary, the available evidence is currently insufficient to determine the role of this variant in disease. Therefore, it has been classified as a Variant of Uncertain Significance.

Ambry Genetics
Classification: Uncertain significance for Inborn genetic diseases. Last evaluated: 2020-11-30. Review status: criteria provided, single submitter. Criteria: Ambry Variant Classification Scheme 2023. Collection method: clinical testing. Allele origin: germline.
Comment: The c.4471C>T (p.R1491C) alteration is located in exon 22 (coding exon 20) of the RERE gene. This alteration results from a C to T substitution at nucleotide position 4471, causing the arginine (R) at amino acid position 1491 to be replaced by a cysteine (C). Based on data from the Genome Aggregation Database (gnomAD), the RERE c.4471C>T alteration was not observed, with coverage at this position. The p.R1491 amino acid is conserved in available vertebrate species. The in silico prediction for the p.R1491C alteration is inconclusive. Based on insufficient or conflicting evidence, the clinical significance of this alteration remains unclear.

NM_001042681.2(RERE):c.4471C>T (p.Arg1491Cys)

Gene: RERE (arginine-glutamic acid dipeptide repeats; minus strand). Cytogenetic location: 1p36.23.
Variant type: single nucleotide variant.
Coding change: c.4471C>T on transcript NM_001042681.2 (MANE Select); coding-DNA position 4471, C replaced by T.
Protein change: p.Arg1491Cys; replaces arginine 1491 with cysteine.
Molecular consequence: missense variant.
Genome position (GRCh38, 1-based): chr1:8,356,115, G>A on the plus strand (C>T on the coding strand, the complement: RERE is on the minus strand). VCF-style: chr1-8356115-G-A. GRCh37 (hg19) VCF-style: chr1-8416175-G-A.
Other names: c.2809C>T, p.Arg937Cys (NM_001042682.2); c.4471C>T, p.Arg1491Cys (NM_012102.4); short protein forms R937C, R1491C.
Identifiers: ClinVar variation 2228158 (VCV002228158.3), dbSNP rs1641282490, ClinGen allele CA338168419.